The following is an entry in ClinVar:

ClinVar aggregate classification (germline): Uncertain significance (1 of 4 stars; one submission).

Allele frequency attached by ClinVar (database versions not stated): gnomAD exomes below 0.00001 and 0.00001; TOPMed below 0.00001.
gnomAD v4.1: 5 of 1,613,898 alleles (0.00031%); highest among the groups gnomAD compares: Admixed American, 0.0017%; no homozygotes.

Submission:

Labcorp Genetics (formerly Invitae), Labcorp
Classification: Uncertain significance. Last evaluated: 2025-08-20. Review status: criteria provided, single submitter. Criteria: Invitae Variant Classification Sherloc (09022015). Collection method: clinical testing. Allele origin: germline.
Comment: This sequence change replaces arginine, which is basic and polar, with cysteine, which is neutral and slightly polar, at codon 174 of the RELA protein (p.Arg174Cys). This variant is present in population databases (no rsID available, gnomAD 0.003%). This variant has not been reported in the literature in individuals affected with RELA-related conditions. ClinVar contains an entry for this variant (Variation ID: 1508645). An algorithm developed to predict the effect of missense changes on protein structure and function (PolyPhen-2) suggests that this variant is likely to be disruptive. In summary, the available evidence is currently insufficient to determine the role of this variant in disease. Therefore, it has been classified as a Variant of Uncertain Significance.

NM_021975.4(RELA):c.520C>T (p.Arg174Cys)

Gene: RELA (RELA proto-oncogene, NF-kB subunit; minus strand). Cytogenetic location: 11q13.1.
Variant type: single nucleotide variant.
Coding change: c.520C>T on transcript NM_021975.4 (MANE Select); coding-DNA position 520, C replaced by T.
Protein change: p.Arg174Cys; replaces arginine 174 with cysteine.
Molecular consequence: missense variant.
Genome position (GRCh38, 1-based): chr11:65,659,705, G>A on the plus strand (C>T on the coding strand, the complement: RELA is on the minus strand). VCF-style: chr11-65659705-G-A. GRCh37 (hg19) VCF-style: chr11-65427176-G-A.
Other names: c.511C>T, p.Arg171Cys (NM_001145138.2); c.520C>T, p.Arg174Cys (NM_001243984.2, NM_001243985.2); short protein forms R171C, R174C.
Identifiers: ClinVar variation 1508645 (VCV001508645.6), dbSNP rs1159602684, ClinGen allele CA381392839.